The following is an entry in ClinVar:

NM_145725.3(TRAF3):c.680A>G (p.Asn227Ser)

Gene: TRAF3 (TNF receptor associated factor 3; plus strand). Cytogenetic location: 14q32.32.
Variant type: single nucleotide variant.
Coding change: c.680A>G on transcript NM_145725.3 (MANE Select); coding-DNA position 680, A replaced by G.
Protein change: p.Asn227Ser; replaces asparagine 227 with serine.
Molecular consequence: missense variant. On other transcripts: intron variant (2).
Genome position (GRCh38, 1-based): chr14:102,889,588, A>G. VCF-style: chr14-102889588-A-G. GRCh37 (hg19) VCF-style: chr14-103355925-A-G.
Other names: c.680A>G, p.Asn227Ser (NM_001385142.1, NM_003300.4); c.599A>G, p.Asn200Ser (NM_001385143.1); c.652-1737A>G (NM_145726.3); c.571-7673A>G (NM_001199427.2); short protein forms N200S, N227S.
Identifiers: ClinVar variation 1986274 (VCV001986274.4), dbSNP rs780865285, ClinGen allele CA7359361.

ClinVar aggregate classification (germline): Uncertain significance (1 of 4 stars; one submission).

Conditions:
Immunodeficiency 132A. Also called: Herpes simplex encephalitis, susceptibility to, 3. Identifiers: Orphanet 1930, MedGen C3553868, MONDO:0013920, OMIM 614849.

Allele frequency attached by ClinVar (database versions not stated): TOPMed below 0.00001; ExAC 0.00001; gnomAD 0.00001; gnomAD exomes below 0.00001.
gnomAD v4.1: 10 of 1,614,076 alleles (0.00062%); highest among the groups gnomAD compares: African/African-American, 0.0027%; no homozygotes.

Submission:

Labcorp Genetics (formerly Invitae), Labcorp
Classification: Uncertain significance for Immunodeficiency 132A. Last evaluated: 2022-10-16. Review status: criteria provided, single submitter. Criteria: Invitae Variant Classification Sherloc (09022015). Collection method: clinical testing. Allele origin: germline.
Comment: This variant has not been reported in the literature in individuals affected with TRAF3-related conditions. This variant is present in population databases (rs780865285, gnomAD 0.005%). This sequence change replaces asparagine, which is neutral and polar, with serine, which is neutral and polar, at codon 227 of the TRAF3 protein (p.Asn227Ser). In summary, the available evidence is currently insufficient to determine the role of this variant in disease. Therefore, it has been classified as a Variant of Uncertain Significance. Algorithms developed to predict the effect of missense changes on protein structure and function are either unavailable or do not agree on the potential impact of this missense change (SIFT: "Deleterious"; PolyPhen-2: "Benign"; Align-GVGD: "Class C0").